The following is an entry in ClinVar:

NM_015559.3(SETBP1):c.586G>A (p.Gly196Ser)

Gene: SETBP1 (SET binding protein 1; plus strand). Cytogenetic location: 18q12.3.
Variant type: single nucleotide variant.
Coding change: c.586G>A on transcript NM_015559.3 (MANE Select); coding-DNA position 586, G replaced by A.
Protein change: p.Gly196Ser; replaces glycine 196 with serine.
Molecular consequence: missense variant.
Genome position (GRCh38, 1-based): chr18:44,949,926, G>A. VCF-style: chr18-44949926-G-A. GRCh37 (hg19) VCF-style: chr18-42529891-G-A.
Other names: c.586G>A, p.Gly196Ser (NM_001379141.1, NM_001379142.1); short protein forms G196S.
Identifiers: ClinVar variation 1482253 (VCV001482253.6), dbSNP rs980862310, ClinGen allele CA299696100.

ClinVar aggregate classification (germline): Uncertain significance (1 of 4 stars; one submission).

Allele frequency attached by ClinVar (database versions not stated): TOPMed 0.00001.
gnomAD v4.1: 1 of 1,613,826 alleles (0.000062%); no homozygotes.

Submission:

Labcorp Genetics (formerly Invitae), Labcorp
Classification: Uncertain significance. Last evaluated: 2021-09-19. Review status: criteria provided, single submitter. Criteria: Invitae Variant Classification Sherloc (09022015). Collection method: clinical testing. Allele origin: germline.
Comment: This variant is not present in population databases (ExAC no frequency). In summary, the available evidence is currently insufficient to determine the role of this variant in disease. Therefore, it has been classified as a Variant of Uncertain Significance. Algorithms developed to predict the effect of missense changes on protein structure and function output the following: SIFT: "Tolerated"; PolyPhen-2: "Benign"; Align-GVGD: "Class C0". The serine amino acid residue is found in multiple mammalian species, which suggests that this missense change does not adversely affect protein function. This variant has not been reported in the literature in individuals affected with SETBP1-related conditions. This sequence change replaces glycine with serine at codon 196 of the SETBP1 protein (p.Gly196Ser). The glycine residue is highly conserved and there is a small physicochemical difference between glycine and serine.